The following is an entry in ClinVar:

ClinVar aggregate classification (germline): Uncertain significance (1 of 4 stars; one submission).

Conditions:
Cerebellar ataxia. Identifiers: Orphanet 102002, MedGen C0007758, MONDO:0000437.

Submission:

Broad Center for Mendelian Genomics, Broad Institute of MIT and Harvard
Classification: Uncertain significance for Cerebellar ataxia. Last evaluated: 2023-12-21. Review status: criteria provided, single submitter. Criteria: ACMG Guidelines, 2015. Collection method: curation. Allele origin: germline. Study: GREGoR Consortium.
Comment: The homozygous c.475-2A>G variant in VPS39 was identified by our stud in 2 siblings with cerebellar ataxia. While this gene is still lacking sufficient evidence to establish a gene-disease relationship, we believe this is a possible novel gene candidate for cerebellar ataxia. Given the limited information about this gene-disease relationship, the significance of the c.475-2A>G variant is uncertain. If you have any additional information about functional evidence or other individuals with this phenotype that also have variants in VPS39 we encourage you to reach out to us.

NM_015289.5(VPS39):c.442-2A>G

Gene: VPS39 (VPS39 subunit of HOPS complex; minus strand). Cytogenetic location: 15q15.1.
Variant type: single nucleotide variant.
Coding change: c.442-2A>G on transcript NM_015289.5 (MANE Select); the canonical splice acceptor site of the intron before coding-DNA position 442, A replaced by G.
Molecular consequence: splice acceptor variant.
Genome position (GRCh38, 1-based): chr15:42,187,365, T>C on the plus strand (A>G on the coding strand, the complement: VPS39 is on the minus strand). VCF-style: chr15-42187365-T-C. GRCh37 (hg19) VCF-style: chr15-42479563-T-C.
Other names: NM_015289.5:c.442-2A>G; c.475-2A>G (NM_001301138.3).
Identifiers: ClinVar variation 2674598 (VCV002674598.1), dbSNP rs2548090332, ClinGen allele CA391962850.